The following is an entry in ClinVar:

NM_001128148.3(TFRC):c.1912A>C (p.Ser638Arg)

Gene: TFRC (transferrin receptor; minus strand). Cytogenetic location: 3q29.
Variant type: single nucleotide variant.
Coding change: c.1912A>C on transcript NM_001128148.3 (MANE Select); coding-DNA position 1912, A replaced by C.
Protein change: p.Ser638Arg; replaces serine 638 with arginine.
Molecular consequence: missense variant.
Genome position (GRCh38, 1-based): chr3:196,053,546, T>G on the plus strand (A>C on the coding strand, the complement: TFRC is on the minus strand). VCF-style: chr3-196053546-T-G. GRCh37 (hg19) VCF-style: chr3-195780417-T-G.
Other names: c.1669A>C, p.Ser557Arg (NM_001313965.2); c.1066A>C, p.Ser356Arg (NM_001313966.2); c.1912A>C, p.Ser638Arg (NM_003234.4); short protein forms S638R, S356R, S557R.
Identifiers: ClinVar variation 2849989 (VCV002849989.3), dbSNP rs2473933204, ClinGen allele CA355561559.

ClinVar aggregate classification (germline): Uncertain significance (1 of 4 stars; one submission).

Allele frequency attached by ClinVar (database versions not stated): gnomAD exomes below 0.00001.
gnomAD v4.1: 7 of 1,614,160 alleles (0.00043%); highest among the groups gnomAD compares: Non-Finnish European, 0.00051%; no homozygotes.

Submission:

Labcorp Genetics (formerly Invitae), Labcorp
Classification: Uncertain significance. Last evaluated: 2025-08-27. Review status: criteria provided, single submitter. Criteria: Invitae Variant Classification Sherloc (09022015). Collection method: clinical testing. Allele origin: germline.
Comment: This sequence change replaces serine, which is neutral and polar, with arginine, which is basic and polar, at codon 638 of the TFRC protein (p.Ser638Arg). This variant is not present in population databases (gnomAD no frequency). This variant has not been reported in the literature in individuals affected with TFRC-related conditions. ClinVar contains an entry for this variant (Variation ID: 2849989). Invitae Evidence Modeling of protein sequence and biophysical properties (such as structural, functional, and spatial information, amino acid conservation, physicochemical variation, residue mobility, and thermodynamic stability) indicates that this missense variant is not expected to disrupt TFRC protein function with a negative predictive value of 80%. In summary, the available evidence is currently insufficient to determine the role of this variant in disease. Therefore, it has been classified as a Variant of Uncertain Significance.